The following is an entry in ClinVar:

ClinVar aggregate classification (germline): Uncertain significance (1 of 4 stars; one submission).

Submission:

Labcorp Genetics (formerly Invitae), Labcorp
Classification: Uncertain significance. Last evaluated: 2025-04-08. Review status: criteria provided, single submitter. Criteria: Invitae Variant Classification Sherloc (09022015). Collection method: clinical testing. Allele origin: germline.
Comment: This sequence change replaces valine, which is neutral and non-polar, with alanine, which is neutral and non-polar, at codon 246 of the CHD4 protein (p.Val246Ala). This variant is not present in population databases (gnomAD no frequency). This variant has not been reported in the literature in individuals affected with CHD4-related conditions. Invitae Evidence Modeling of protein sequence and biophysical properties (such as structural, functional, and spatial information, amino acid conservation, physicochemical variation, residue mobility, and thermodynamic stability) indicates that this missense variant is not expected to disrupt CHD4 protein function with a negative predictive value of 80%. In summary, the available evidence is currently insufficient to determine the role of this variant in disease. Therefore, it has been classified as a Variant of Uncertain Significance.

NM_001273.5(CHD4):c.737T>C (p.Val246Ala)

Gene: CHD4 (chromodomain helicase DNA binding protein 4; minus strand). Cytogenetic location: 12p13.31.
Variant type: single nucleotide variant.
Coding change: c.737T>C on transcript NM_001273.5 (MANE Select); coding-DNA position 737, T replaced by C.
Protein change: p.Val246Ala; replaces valine 246 with alanine.
Molecular consequence: missense variant.
Genome position (GRCh38, 1-based): chr12:6,601,351, A>G on the plus strand (T>C on the coding strand, the complement: CHD4 is on the minus strand). VCF-style: chr12-6601351-A-G. GRCh37 (hg19) VCF-style: chr12-6710517-A-G.
Other names: c.716T>C, p.Val239Ala (NM_001297553.2); c.737T>C, p.Val246Ala (NM_001363606.2); short protein forms V246A, V239A.
Identifiers: ClinVar variation 4742756 (VCV004742756.1).
Genomic context (GRCh38, chr12:6,601,351, plus strand): 5'-TTGCCCTCCTTGGTCTTGGCCTTGCGGATAGGCACCTCCACAGGGGGAGGTGGTGGTGCA[A>G]CCTCAGTGGCTGTCACCATGCTCTCCACCACAGCTACCGCTGCTGCTGCCGCAGCTGCCA-3'
Protein context (NP_001264.2, residues 236-256): VVESMVTATE[Val246Ala]APPPPPVEVP